The following is an entry in ClinVar:

ClinVar aggregate classification (germline): Benign (0 of 4 stars; one submission).

Conditions:
OR52M1-related disorder. Also called: OR52M1-related condition.

Submission:

PreventionGenetics, part of Exact Sciences
Classification: Benign for OR52M1-related condition. Last evaluated: 2020-08-03. Review status: no assertion criteria provided. Collection method: clinical testing. Allele origin: germline.
Comment: This variant is classified as benign based on ACMG/AMP sequence variant interpretation guidelines (Richards et al. 2015 PMID: 25741868, with internal and published modifications).

NM_001004137.1(OR52M1):c.818dup (p.Pro274fs)

Gene: OR52M1 (olfactory receptor family 52 subfamily M member 1; plus strand). Cytogenetic location: 11p15.4.
Variant type: Duplication.
Coding change: c.818dup on transcript NM_001004137.1 (MANE Select); coding-DNA position 818, one base duplicated (C; older notation c.818dupC).
Protein change: p.Pro274fs; shifts the reading frame from proline 274.
Molecular consequence: frameshift variant.
Genome position (GRCh38, 1-based): chr11:4,546,008, C duplicated; the last of 2 consecutive C bases (chr11:4,546,007-4,546,008); duplicating either gives the same sequence. VCF-style (leftmost placement, unchanged base first): chr11-4546006-T-TC. GRCh37 (hg19) VCF-style: chr11-4567236-T-TC.
Other names: c.818dupC (NM_001004137.1); short protein forms P274fs.
Identifiers: ClinVar variation 3044352 (VCV003044352.2), dbSNP rs146677652, ClinGen allele CA5832818.
Genomic context (GRCh38, chr11:4,546,006, plus strand): 5'-GATCTTTTATGTTCCCATTGCTGTTTCTTCCCTGATTCACCGATTTGGTCAGTGTGTGCC[T>TC]CCTCCAGTCCACACTCTGCTGGCCAACTTCTATCTCCTCATTCCTCCAATCCTCAATCCC-3'